The following is an entry in ClinVar:

ClinVar aggregate classification (germline): Uncertain significance. Review status: criteria provided, multiple submitters, no conflicts (2 of 4 stars). 2 submissions from 2 submitters: Uncertain significance (2). Last evaluated 2026-01-14.

Conditions:
Familial thoracic aortic aneurysm and aortic dissection (TAAD). Also called: Thoracic aortic aneurysms and dissections. Identifiers: Orphanet 91387, MedGen C4707243, MONDO:0019625.

Submissions (2):

Ambry Genetics
Classification: Uncertain significance for Familial thoracic aortic aneurysm and aortic dissection. Last evaluated: 2026-01-14. Review status: criteria provided, single submitter. Criteria: Ambry Variant Classification Scheme 2023. Collection method: clinical testing. Allele origin: germline.
Comment: The p.G158R variant (also known as c.472G>A), located in coding exon 5 of the FBN1 gene, results from a G to A substitution at nucleotide position 472. The glycine at codon 158 is replaced by arginine, an amino acid with dissimilar properties. This amino acid position is highly conserved in available vertebrate species. In addition, this alteration is predicted to be deleterious by in silico analysis. Based on the available evidence, the clinical significance of this variant remains unclear.

GeneDx
Classification: Uncertain significance. Last evaluated: 2019-09-10. Review status: criteria provided, single submitter. Criteria: GeneDx Variant Classification Process June 2021. Collection method: clinical testing. Allele origin: germline. Affected: yes.
Comment: Has not been previously published as pathogenic or benign to our knowledge; Reported in ClinVar (ClinVar Variant ID# 519745; Landrum et al., 2016); Not observed in large population cohorts (Lek et al., 2016); In silico analysis, which includes protein predictors and evolutionary conservation, supports a deleterious effect; Although located in a calcium-binding EGF-like domain of the FBN1 gene, it does not affect a cysteine residue within this domain; cysteine substitutions in the calcium-binding EGF-like domains represent the majority of pathogenic missense changes associated with FBN1 related disorders (Collod-Beroud et al., 2003)

NM_000138.5(FBN1):c.472G>A (p.Gly158Arg)

Gene: FBN1 (fibrillin 1; minus strand). Cytogenetic location: 15q21.1.
Variant type: single nucleotide variant.
Coding change: c.472G>A on transcript NM_000138.5 (MANE Select); coding-DNA position 472, G replaced by A.
Protein change: p.Gly158Arg; replaces glycine 158 with arginine.
Molecular consequence: missense variant.
Genome position (GRCh38, 1-based): chr15:48,596,349, C>T on the plus strand (G>A on the coding strand, the complement: FBN1 is on the minus strand). VCF-style: chr15-48596349-C-T. GRCh37 (hg19) VCF-style: chr15-48888546-C-T.
Other names: short protein forms G158R.
Identifiers: ClinVar variation 519745 (VCV000519745.8), dbSNP rs1555404812, ClinGen allele CA392446359.